The following is an entry in ClinVar:

ClinVar aggregate classification (germline): Benign. Review status: criteria provided, multiple submitters, no conflicts (2 of 4 stars). 5 submissions from 5 submitters: Benign (4). 1 of the submissions does not count toward it. Last evaluated 2018-01-13.

Conditions:
Pyruvate dehydrogenase E3-binding protein deficiency (PDHXD). Also called: E3-Binding Protein (Component X) Deficiency; LACTIC ACIDEMIA DUE TO DEFECT IN LIPOYL-CONTAINING COMPONENT X OF THE PYRUVATE DEHYDROGENASE COMPLEX; Lacticacidemia due to PDX1 deficiency; PYRUVATE HYDROGENASE E3-BINDING PROTEIN DEFICIENCY. Identifiers: Orphanet 255182, MedGen C1855553, MONDO:0009503, OMIM 245349.

Allele frequency attached by ClinVar (database versions not stated): gnomAD exomes 0.11842 and 0.12767; ExAC 0.13808; 1000 Genomes Project 0.19249; TOPMed 0.19940; 1000 Genomes Project 30x 0.20066; ESP Exome Variant Server 0.20654.
gnomAD v4.1: 201,868 of 1,607,488 alleles (13%); highest among the groups gnomAD compares: African/African-American, 39%; 15,906 homozygotes.

Submissions (5):

Illumina Laboratory Services, Illumina
Classification: Benign for Pyruvate dehydrogenase E3-binding protein deficiency. Last evaluated: 2018-01-13. Review status: criteria provided, single submitter. Criteria: ICSL Variant Classification Criteria 13 December 2019. Collection method: clinical testing. Allele origin: germline.
Comment: This variant was observed in the ICSL laboratory as part of a predisposition screen in an ostensibly healthy population. It had not been previously curated by ICSL or reported in the Human Gene Mutation Database (HGMD: prior to June 1st, 2018), and was therefore a candidate for classification through an automated scoring system. Utilizing variant allele frequency, disease prevalence and penetrance estimates, and inheritance mode, an automated score was calculated to assess if this variant is too frequent to cause the disease. Based on the score and internal cut-off values, a variant classified as benign is not then subjected to further curation. The score for this variant resulted in a classification of benign for this disease.

Eurofins Ntd Llc (ga)
Classification: Benign. Last evaluated: 2016-02-13. Review status: criteria provided, single submitter. Criteria: EGL Classification Definitions 2015. Collection method: clinical testing. Allele origin: germline. Observed: 2 variant alleles, 2 heterozygotes.

GeneDx
Classification: Benign. Last evaluated: 2015-03-03. Review status: criteria provided, single submitter. Criteria: GeneDx Variant Classification Process June 2021. Collection method: clinical testing. Allele origin: germline. Affected: yes.

Breakthrough Genomics
Classification: Benign. Review status: criteria provided, single submitter. Criteria: ACMG Guidelines, 2015. Collection method: not provided. Allele origin: germline. Inheritance: Autosomal recessive inheritance. Affected: yes.

Mayo Clinic Laboratories, Mayo Clinic
Classification: Benign. Last evaluated: 2016-02-23. Review status: no assertion criteria provided. Collection method: clinical testing. Allele origin: unknown. Not counted in ClinVar's aggregate classification.

NM_003477.3(PDHX):c.-4C>G

Genes: PDHX (pyruvate dehydrogenase complex component X; plus strand), LOC130005549 (ATAC-STARR-seq lymphoblastoid active region 4608; plus strand). Cytogenetic location: 11p13.
Variant type: single nucleotide variant.
Coding change: c.-4C>G on transcript NM_003477.3 (MANE Select); 4 bases upstream of the start codon, C replaced by G.
Molecular consequence: 5 prime UTR variant. On other transcripts: intron variant (1).
Genome position (GRCh38, 1-based): chr11:34,916,652, C>G. VCF-style: chr11-34916652-C-G. GRCh37 (hg19) VCF-style: chr11-34938199-C-G.
Other names: c.-4C>G (NM_001166158.2); c.-21+166C>G (NM_001135024.2).
Identifiers: ClinVar variation 286346 (VCV000286346.13), dbSNP rs3818401, ClinGen allele CA5945709.